The following is an entry in ClinVar:

ClinVar aggregate classification (germline): Uncertain significance (1 of 4 stars; one submission).

Conditions:
Hypertrophic cardiomyopathy 26. Also called: Cardiomyopathy, familial hypertrophic, 26. Identifiers: Orphanet 75249, MedGen C4310749, MONDO:0014883, OMIM 617047.

Submission:

MVZ Medizinische Genetik Mainz
Classification: Uncertain significance for Hypertrophic cardiomyopathy 26. Last evaluated: 2026-05-28. Review status: criteria provided, single submitter. Criteria: UK Practice Guidelines For Variant Classification V4 01 2020. Collection method: clinical testing. Allele origin: germline. Inheritance: Autosomal dominant inheritance. Affected: yes. Observed: 1 variant allele.
Comment: ACMG Criteria: PM2_SUP,PP3

NM_001458.5(FLNC):c.7517G>T (p.Gly2506Val)

Genes: FLNC (filamin C; plus strand), FLNC-AS1 (FLNC antisense RNA 1; minus strand). Cytogenetic location: 7q32.1.
Variant type: single nucleotide variant.
Coding change: c.7517G>T on transcript NM_001458.5 (MANE Select); coding-DNA position 7517, G replaced by T.
Protein change: p.Gly2506Val; replaces glycine 2506 with valine.
Molecular consequence: missense variant.
Genome position (GRCh38, 1-based): chr7:128,856,877, G>T. VCF-style: chr7-128856877-G-T. GRCh37 (hg19) VCF-style: chr7-128496931-G-T.
Other names: c.7418G>T, p.Gly2473Val (NM_001127487.2); short protein forms G2473V, G2506V.
Identifiers: ClinVar variation 4857266 (VCV004857266.1).